The following is an entry in ClinVar:

ClinVar aggregate classification (germline): Pathogenic/Likely pathogenic. Review status: criteria provided, multiple submitters, no conflicts (2 of 4 stars). 2 submissions from 2 submitters: Pathogenic (1); Likely pathogenic (1). Last evaluated 2024-08-19.

Conditions:
Bardet-Biedl syndrome (BBS). Identifiers: Orphanet 110, MedGen C0752166, MONDO:0015229.
Bardet-Biedl syndrome 10 (BBS10). Identifiers: Orphanet 110, MedGen C1859568, MONDO:0014438, OMIM 615987.

Submissions (2):

Natera, Inc.
Classification: Likely pathogenic for Bardet-Biedl syndrome type 10. Last evaluated: 2024-08-19. Review status: criteria provided, single submitter. Criteria: Natera Variant Classification Schema (03/2026). Collection method: clinical testing. Allele origin: germline.
Comment: The c.1812dup variant in BBS10 is a frameshift variant predicted to shift the reading frame and introduce a stop codon. This variant is expected to result in nonsense mediated decay, truncation, or a dysfunctional protein product. This variant is rare in the general population with a frequency below the threshold expected for the associated phenotype(s). This variant has been observed in one or more individuals affected with the associated recessive disease, as either homozygous or compound heterozygous with a second variant (PMID: 36340607). Given the available evidence, this variant is classified as Likely Pathogenic.

Labcorp Genetics (formerly Invitae), Labcorp
Classification: Pathogenic for Bardet-Biedl syndrome. Last evaluated: 2023-09-27. Review status: criteria provided, single submitter. Criteria: Invitae Variant Classification Sherloc (09022015). Collection method: clinical testing. Allele origin: germline.
Comment: This variant disrupts a region of the BBS10 protein in which other variant(s) (p.Val707*) have been determined to be pathogenic (PMID: 20472660, 22773737, 25982971, 27486776). This suggests that this is a clinically significant region of the protein, and that variants that disrupt it are likely to be disease-causing. This variant has not been reported in the literature in individuals affected with BBS10-related conditions. This variant is not present in population databases (gnomAD no frequency). This sequence change creates a premature translational stop signal (p.Asn605*) in the BBS10 gene. While this is not anticipated to result in nonsense mediated decay, it is expected to disrupt the last 119 amino acid(s) of the BBS10 protein. For these reasons, this variant has been classified as Pathogenic.

Literature cited by the submitters: PubMed 36340607 (cited by Natera, Inc.); PubMed 20472660 (cited by Labcorp Genetics (formerly Invitae), Labcorp); PubMed 22773737 (cited by Labcorp Genetics (formerly Invitae), Labcorp); PubMed 25982971 (cited by Labcorp Genetics (formerly Invitae), Labcorp); PubMed 27486776 (cited by Labcorp Genetics (formerly Invitae), Labcorp).

NM_024685.4(BBS10):c.1812dup (p.Asn605Ter)

Gene: BBS10 (Bardet-Biedl syndrome 10; minus strand). Cytogenetic location: 12q21.2.
Variant type: Duplication.
Coding change: c.1812dup on transcript NM_024685.4 (MANE Select); coding-DNA position 1812, one base duplicated (T; older notation c.1812dupT).
Protein change: p.Asn605Ter; replaces asparagine 605 with a stop codon.
Molecular consequence: nonsense.
Genome position (GRCh38, 1-based): chr12:76,346,173, A duplicated on the plus strand (T on the coding strand, the reverse complement: BBS10 is on the minus strand). VCF-style (leftmost placement, unchanged base first): chr12-76346172-T-TA. GRCh37 (hg19) VCF-style: chr12-76739952-T-TA.
Other names: c.1812dup (NM_024685.3); short protein forms N605*.
Identifiers: ClinVar variation 2821470 (VCV002821470.4), dbSNP rs2540955199, ClinGen allele CA2739272194.